The following is an entry in ClinVar:

ClinVar aggregate classification (germline): Uncertain significance (1 of 4 stars; one submission).

Allele frequency attached by ClinVar (database versions not stated): ExAC 0.00001.
gnomAD v4.1: 1 of 1,613,504 alleles (0.000062%); no homozygotes.

Submission:

Labcorp Genetics (formerly Invitae), Labcorp
Classification: Uncertain significance. Last evaluated: 2025-08-25. Review status: criteria provided, single submitter. Criteria: Invitae Variant Classification Sherloc (09022015). Collection method: clinical testing. Allele origin: germline.
Comment: This sequence change replaces histidine, which is basic and polar, with tyrosine, which is neutral and polar, at codon 1056 of the EFL1 protein (p.His1056Tyr). This variant is present in population databases (rs749634842, gnomAD 0.0009%). This variant has not been reported in the literature in individuals affected with EFL1-related conditions. ClinVar contains an entry for this variant (Variation ID: 1978259). Invitae Evidence Modeling of protein sequence and biophysical properties (such as structural, functional, and spatial information, amino acid conservation, physicochemical variation, residue mobility, and thermodynamic stability) indicates that this missense variant is expected to disrupt EFL1 protein function with a positive predictive value of 80%. In summary, the available evidence is currently insufficient to determine the role of this variant in disease. Therefore, it has been classified as a Variant of Uncertain Significance.

NM_024580.6(EFL1):c.3166C>T (p.His1056Tyr)

Gene: EFL1 (elongation factor like GTPase 1; minus strand). Cytogenetic location: 15q25.2.
Variant type: single nucleotide variant.
Coding change: c.3166C>T on transcript NM_024580.6 (MANE Select); coding-DNA position 3166, C replaced by T.
Protein change: p.His1056Tyr; replaces histidine 1056 with tyrosine.
Molecular consequence: missense variant. On other transcripts: non-coding transcript variant (1).
Genome position (GRCh38, 1-based): chr15:82,138,666, G>A on the plus strand (C>T on the coding strand, the complement: EFL1 is on the minus strand). VCF-style: chr15-82138666-G-A. GRCh37 (hg19) VCF-style: chr15-82431007-G-A.
Other names: c.3013C>T, p.His1005Tyr (NM_001040610.3); c.2377C>T, p.His793Tyr (NM_001322844.2); c.3166C>T, p.His1056Tyr (NM_001322845.2); short protein forms H1056Y, H1005Y, H793Y.
Identifiers: ClinVar variation 1978259 (VCV001978259.4), dbSNP rs749634842, ClinGen allele CA7697623.
Genomic context (GRCh38, chr15:82,138,666, plus strand): 5'-GAATGTATCCATAGATGAGAAGGAAGGAATGAATGGGAACTTGGATTTTTACCTCCCAAT[G>A]GCTGAATACTAGTTGTGGGCTGGCCAGGCCACTTGTCCTCTTCCTGATTTCATCAGCAAA-3'
Protein context (NP_078856.4, residues 1046-1066): GLASPQLVFS[His1056Tyr]WEIIPSDPFW